The following is an entry in ClinVar:

ClinVar aggregate classification (germline): Uncertain significance (1 of 4 stars; one submission).

Submission:

Labcorp Genetics (formerly Invitae), Labcorp
Classification: Uncertain significance. Last evaluated: 2025-05-25. Review status: criteria provided, single submitter. Criteria: Invitae Variant Classification Sherloc (09022015). Collection method: clinical testing. Allele origin: germline.
Comment: This sequence change replaces histidine, which is basic and polar, with tyrosine, which is neutral and polar, at codon 448 of the IRF2BP2 protein (p.His448Tyr). This variant is present in population databases (no rsID available, gnomAD 0.0009%). This variant has not been reported in the literature in individuals affected with IRF2BP2-related conditions. An algorithm developed to predict the effect of missense changes on protein structure and function (PolyPhen-2) suggests that this variant is likely to be disruptive. In summary, the available evidence is currently insufficient to determine the role of this variant in disease. Therefore, it has been classified as a Variant of Uncertain Significance.

NM_182972.3(IRF2BP2):c.1342C>T (p.His448Tyr)

Gene: IRF2BP2 (interferon regulatory factor 2 binding protein 2; minus strand). Cytogenetic location: 1q42.3.
Variant type: single nucleotide variant.
Coding change: c.1342C>T on transcript NM_182972.3 (MANE Select); coding-DNA position 1342, C replaced by T.
Protein change: p.His448Tyr; replaces histidine 448 with tyrosine.
Molecular consequence: missense variant.
Genome position (GRCh38, 1-based): chr1:234,607,559, G>A on the plus strand (C>T on the coding strand, the complement: IRF2BP2 is on the minus strand). VCF-style: chr1-234607559-G-A. GRCh37 (hg19) VCF-style: chr1-234743305-G-A.
Other names: c.1294C>T, p.His432Tyr (NM_001077397.1); short protein forms H448Y, H432Y.
Identifiers: ClinVar variation 4702736 (VCV004702736.1).